The following is an entry in ClinVar:

NM_001034853.2(RPGR):c.2877GGA[1] (p.Glu961del)

Gene: RPGR (retinitis pigmentosa GTPase regulator; minus strand). Cytogenetic location: Xp11.4.
Variant type: Microsatellite.
Coding change: c.2877GGA[1] on transcript NM_001034853.2 (MANE Select); one copy of the 3-base unit GGA starting at c.2877; the reference has two copies in a row; one copy, 3 bases deleted.
Protein change: p.Glu961del; deletes glutamic acid 961.
Molecular consequence: inframe deletion. On other transcripts: intron variant (8).
Genome position (GRCh38, 1-based): chrX:38,286,117-38,286,119, TCC deleted on the plus strand (GGA on the coding strand, the reverse complement: RPGR is on the minus strand); deleting any 3 consecutive bases within chrX:38,286,117-38,286,124 gives the same sequence; the position shown is the placement nearest the transcript's 3' end. VCF-style (leftmost placement, unchanged base first): chrX-38286116-TTCC-T. GRCh37 (hg19) VCF-style: chrX-38145369-TTCC-T.
Other names: c.1569+4840_1569+4842del (NM_001367249.1, NM_001367250.1); c.1902+975_1902+977del (NM_001367245.1); c.1386+4840_1386+4842del (NM_001367251.1); c.1719+975_1719+977del (NM_001367246.1); c.1572+4840_1572+4842del (NM_001367247.1); c.1905+975_1905+977del (NM_000328.3); c.1602+4840_1602+4842del (NM_001367248.1); short protein forms E961del.
Identifiers: ClinVar variation 1802305 (VCV001802305.7), dbSNP rs1285073212, ClinGen allele CA412729549.

ClinVar aggregate classification (germline): Conflicting classifications of pathogenicity. Review status: criteria provided, conflicting classifications (1 of 4 stars). 3 submissions from 3 submitters: Uncertain significance (1); Likely benign (2). Last evaluated 2025-01-11.

Conditions:
Primary ciliary dyskinesia. Also called: Ciliary dyskinesia. Identifiers: Orphanet 244, MedGen C0008780, MONDO:0016575, HP:0012265.

Submissions (3):

Labcorp Genetics (formerly Invitae), Labcorp
Classification: Uncertain significance for Primary ciliary dyskinesia. Last evaluated: 2025-01-11. Review status: criteria provided, single submitter. Criteria: Invitae Variant Classification Sherloc (09022015). Collection method: clinical testing. Allele origin: germline.
Comment: This variant, c.2880_2882del, results in the deletion of 1 amino acid(s) of the RPGR (ORF15) protein (p.Glu961del), but otherwise preserves the integrity of the reading frame. The frequency data for this variant in the population databases is considered unreliable, as metrics indicate poor data quality at this position in the gnomAD database. This variant has not been reported in the literature in individuals affected with RPGR (ORF15)-related conditions. Experimental studies and prediction algorithms are not available or were not evaluated, and the functional significance of this variant is currently unknown. In summary, the available evidence is currently insufficient to determine the role of this variant in disease. Therefore, it has been classified as a Variant of Uncertain Significance.

Blueprint Genetics
Classification: Likely benign. Last evaluated: 2024-10-22. Review status: criteria provided, single submitter. Criteria: ACMG Guidelines, 2015. Collection method: clinical testing. Allele origin: germline.

PreventionGenetics, part of Exact Sciences
Classification: Likely benign. Last evaluated: 2019-09-18. Review status: criteria provided, single submitter. Criteria: ACMG Guidelines, 2015. Collection method: clinical testing. Allele origin: germline.